The following is an entry in ClinVar:

ClinVar aggregate classification (germline): Uncertain significance (1 of 4 stars; one submission).

Allele frequency attached by ClinVar (database versions not stated): gnomAD 0.00001; TOPMed 0.00001.

Submission:

Labcorp Genetics (formerly Invitae), Labcorp
Classification: Uncertain significance. Last evaluated: 2023-09-10. Review status: criteria provided, single submitter. Criteria: Invitae Variant Classification Sherloc (09022015). Collection method: clinical testing. Allele origin: germline.
Comment: In summary, the available evidence is currently insufficient to determine the role of this variant in disease. Therefore, it has been classified as a Variant of Uncertain Significance. Advanced modeling of protein sequence and biophysical properties (such as structural, functional, and spatial information, amino acid conservation, physicochemical variation, residue mobility, and thermodynamic stability) performed at Invitae indicates that this missense variant is not expected to disrupt THAP11 protein function. This variant has not been reported in the literature in individuals affected with THAP11-related conditions. This variant is not present in population databases (gnomAD no frequency). This sequence change replaces valine, which is neutral and non-polar, with methionine, which is neutral and non-polar, at codon 192 of the THAP11 protein (p.Val192Met).

NM_020457.3(THAP11):c.574G>A (p.Val192Met)

Genes: CENPT (centromere protein T; minus strand), THAP11 (THAP domain containing 11; plus strand). Cytogenetic location: 16q22.1.
Variant type: single nucleotide variant.
Coding change: c.574G>A on transcript NM_020457.3 (MANE Select); coding-DNA position 574, G replaced by A.
Protein change: p.Val192Met; replaces valine 192 with methionine.
Molecular consequence: missense variant. On other transcripts: intron variant (1).
Genome position (GRCh38, 1-based): chr16:67,843,128, G>A. VCF-style: chr16-67843128-G-A. GRCh37 (hg19) VCF-style: chr16-67877031-G-A.
Other names: c.-492+4273C>T (NM_025082.4); short protein forms V192M.
Identifiers: ClinVar variation 2759984 (VCV002759984.3), dbSNP rs1230436996, ClinGen allele CA396397701.
Genomic context (GRCh38, chr16:67,843,128, plus strand): 5'-TCCGTACAGCCGGCGCCCATCACTCCCACTGGAGAAGACGTGAAGCCCATCGATCTCACA[G>A]TGCAAGTGGAGTTTGCAGCCGCAGAGGGCGCAGCCGCTGCGGCCGCCGCGTCGGAGTTAC-3'
Protein context (NP_065190.2, residues 182-202): GEDVKPIDLT[Val192Met]QVEFAAAEGA